The following is an entry in ClinVar:

ClinVar aggregate classification (germline): Uncertain significance (0 of 4 stars; one submission).

Conditions:
SDCCAG8-related disorder. Also called: SDCCAG8-Related Disorders; SDCCAG8-related condition.

Submission:

PreventionGenetics, part of Exact Sciences
Classification: Uncertain significance for SDCCAG8-related condition. Last evaluated: 2024-02-22. Review status: no assertion criteria provided. Collection method: clinical testing. Allele origin: germline.
Comment: The SDCCAG8 c.1693C>G variant is predicted to result in the amino acid substitution p.Gln565Glu. To our knowledge, this variant has not been reported in the literature or in a large population database, indicating this variant is rare. At this time, the clinical significance of this variant is uncertain due to the absence of conclusive functional and genetic evidence.

NM_006642.5(SDCCAG8):c.1693C>G (p.Gln565Glu)

Gene: SDCCAG8 (SHH signaling and ciliogenesis regulator SDCCAG8; plus strand). Cytogenetic location: 1q43.
Variant type: single nucleotide variant.
Coding change: c.1693C>G on transcript NM_006642.5 (MANE Select); coding-DNA position 1693, C replaced by G.
Protein change: p.Gln565Glu; replaces glutamine 565 with glutamic acid.
Molecular consequence: missense variant.
Genome position (GRCh38, 1-based): chr1:243,415,778, C>G. VCF-style: chr1-243415778-C-G. GRCh37 (hg19) VCF-style: chr1-243579080-C-G.
Other names: c.790C>G, p.Gln264Glu (NM_001350246.2, NM_001350247.2, NM_001350251.2); c.1789C>G, p.Gln597Glu (NM_001350248.2); c.1399C>G, p.Gln467Glu (NM_001350249.2); short protein forms Q264E, Q467E, Q565E, Q597E.
Identifiers: ClinVar variation 3349267 (VCV003349267.1).
Genomic context (GRCh38, chr1:243,415,778, plus strand): 5'-ATTCAGCAGAGCTTTAGCAAGGAAGCAAAGGCCCAAGCCCTTCAGGCCCAGCAAAGAGAG[C>G]AGGAGCTGACACAGAAGATACAGCAAATGGAGGCCCAGCATGACAAAACTGGTAGGTGGT-3'
Protein context (NP_006633.1, residues 555-575): AQALQAQQRE[Gln565Glu]ELTQKIQQME